The following is an entry in ClinVar:

NM_198576.4(AGRN):c.5726G>C (p.Ser1909Thr)

Gene: AGRN (agrin; plus strand). Cytogenetic location: 1p36.33.
Variant type: single nucleotide variant.
Coding change: c.5726G>C on transcript NM_198576.4 (MANE Select); coding-DNA position 5726, G replaced by C.
Protein change: p.Ser1909Thr; replaces serine 1909 with threonine.
Molecular consequence: missense variant.
Genome position (GRCh38, 1-based): chr1:1,053,827, G>C. VCF-style: chr1-1053827-G-C. GRCh37 (hg19) VCF-style: chr1-989207-G-C.
Other names: p.Ser1909Thr; c.5726G>C (LRG_198t1); c.5795G>C, p.Ser1932Thr (NM_001305275.2); c.5423G>C, p.Ser1808Thr (NM_001364727.2); short protein forms S1909T, S1808T, S1932T.
Identifiers: ClinVar variation 128318 (VCV000128318.21), dbSNP rs74685771, ClinGen allele CA151682.

ClinVar aggregate classification (germline): Benign/Likely benign. Review status: criteria provided, multiple submitters, no conflicts (2 of 4 stars). 6 submissions from 6 submitters: Benign (3); Likely benign (2). 1 of the submissions does not count toward it. Last evaluated 2026-02-03.

Conditions:
Congenital myasthenic syndrome 8. Also called: Myasthenic syndrome, congenital, 8, with pre- and postsynaptic defects; MYASTHENIC SYNDROME, CONGENITAL, DUE TO AGRIN DEFICIENCY. Identifiers: Orphanet 590, MedGen C3808739, MONDO:0014052, OMIM 615120.

Allele frequency attached by ClinVar (database versions not stated): ESP Exome Variant Server 0.00092; gnomAD 0.00700 and 0.00724; 1000 Genomes Project 0.00899; 1000 Genomes Project 30x 0.00953; TOPMed 0.01119.
gnomAD v4.1: 5,857 of 1,611,076 alleles (0.36%); highest among the groups gnomAD compares: Admixed American, 7.4%; 193 homozygotes.

Submissions (6):

Labcorp Genetics (formerly Invitae), Labcorp
Classification: Benign for Congenital myasthenic syndrome 8. Last evaluated: 2026-02-03. Review status: criteria provided, single submitter. Criteria: Invitae Variant Classification Sherloc (09022015). Collection method: clinical testing. Allele origin: germline.

Mayo Clinic Laboratories, Mayo Clinic
Classification: Benign. Last evaluated: 2023-01-12. Review status: criteria provided, single submitter. Criteria: ACMG Guidelines, 2015. Collection method: clinical testing. Allele origin: germline. Observed: 9 variant alleles.
Comment: BA1

GeneDx
Classification: Benign. Last evaluated: 2018-09-05. Review status: criteria provided, single submitter. Criteria: GeneDx Variant Classification Process June 2021. Collection method: clinical testing. Allele origin: germline. Affected: yes.

Breakthrough Genomics
Classification: Likely benign. Review status: criteria provided, single submitter. Criteria: ACMG Guidelines, 2015. Collection method: not provided. Allele origin: germline. Inheritance: Autosomal recessive inheritance. Affected: yes.

PreventionGenetics, part of Exact Sciences
Classification: Likely benign. Review status: criteria provided, single submitter. Criteria: ACMG Guidelines, 2015. Collection method: clinical testing. Allele origin: germline.

Genetic Services Laboratory, University of Chicago
Classification: Likely benign for AllHighlyPenetrant. Review status: no assertion criteria provided. Collection method: clinical testing. Allele origin: germline. Inheritance: Autosomal recessive inheritance. Not counted in ClinVar's aggregate classification.
Comment: Likely benign based on allele frequency in 1000 Genomes Project or ESP global frequency and its presence in a patient with a rare or unrelated disease phenotype. NOT Sanger confirmed.